The following is an entry in ClinVar:

NM_004527.4(MEOX1):c.191C>G (p.Ala64Gly)

Gene: MEOX1 (mesenchyme homeobox 1; minus strand). Cytogenetic location: 17q21.31.
Variant type: single nucleotide variant.
Coding change: c.191C>G on transcript NM_004527.4 (MANE Select); coding-DNA position 191, C replaced by G.
Protein change: p.Ala64Gly; replaces alanine 64 with glycine.
Molecular consequence: missense variant. On other transcripts: 5 prime UTR variant (1).
Genome position (GRCh38, 1-based): chr17:43,661,344, G>C on the plus strand (C>G on the coding strand, the complement: MEOX1 is on the minus strand). VCF-style: chr17-43661344-G-C. GRCh37 (hg19) VCF-style: chr17-41738712-G-C.
Other names: c.-155C>G (NM_001040002.2); c.191C>G, p.Ala64Gly (NM_013999.4); short protein forms A64G.
Identifiers: ClinVar variation 2512290 (VCV002512290.3), dbSNP rs1292292017, ClinGen allele CA399904830.
Genomic context (GRCh38, chr17:43,661,344, plus strand): 5'-TGCTCAGTGAAGATGTGCTCCTCCTGGGGCAGGCTGTGTGGGGTGGCTGCCAGGCAGGAG[G>C]CTGAGAAGTCAGGGTACGCTGCCGTCGCTGTCGCCAGGAAGTCTGGTTTCTGGTGGAAGG-3'
Protein context (NP_004518.1, residues 54-74): TATAAYPDFS[Ala64Gly]SCLAATPHSL

ClinVar aggregate classification (germline): Uncertain significance. Review status: criteria provided, multiple submitters, no conflicts (2 of 4 stars). 2 submissions from 2 submitters: Uncertain significance (2). Last evaluated 2026-04-14.

Conditions:
MEOX1-related disorder. Also called: MEOX1-related condition.
Inborn genetic diseases. Identifiers: MedGen C0950123, MeSH D030342.

gnomAD v4.1: 45 of 1,613,686 alleles (0.0028%); highest among the groups gnomAD compares: Non-Finnish European, 0.0037%; no homozygotes.

Submissions (2):

PreventionGenetics, part of Exact Sciences
Classification: Uncertain significance for MEOX1-related condition. Last evaluated: 2026-04-14. Review status: criteria provided, single submitter. Criteria: ACMG Guidelines, 2015. Collection method: clinical testing. Allele origin: germline.
Comment: The MEOX1 c.191C>G variant is predicted to result in the amino acid substitution p.Ala64Gly. To our knowledge, this variant has not been reported in the literature. This variant is reported in 0.0023% of alleles in individuals of European (Non-Finnish) descent in gnomAD. At this time, the clinical significance of this variant is uncertain due to the absence of conclusive functional and genetic evidence.

Ambry Genetics
Classification: Uncertain significance for Inborn genetic diseases. Last evaluated: 2023-04-04. Review status: criteria provided, single submitter. Criteria: Ambry Variant Classification Scheme 2023. Collection method: clinical testing. Allele origin: germline.